The following is an entry in ClinVar:

ClinVar aggregate classification (germline): Pathogenic. Review status: no assertion criteria provided (0 of 4 stars). 2 submissions from 2 submitters: Pathogenic (2). Last evaluated 2023-09-29.

Conditions:
Visceral myopathy 1 (VSCM1). Also called: Infantile visceral myopathy; Visceral myopathy; ACTG2 Visceral Myopathy. Identifiers: Orphanet 2604, MedGen C5542197, MONDO:0020754, OMIM 155310.
Megacystis, microcolon, hypoperistalsis syndrome. Also called: Megacystis-microcolon-intestinal hypoperistalsis syndrome; Berdon syndrome. Identifiers: Orphanet 2241, MedGen C1608393, MONDO:0025986.

Submissions (2):

OMIM
Classification: Pathogenic for MEGACYSTIS-MICROCOLON-INTESTINAL HYPOPERISTALSIS SYNDROME 1. Last evaluated: 2023-09-29. Review status: no assertion criteria provided. Collection method: literature only. Allele origin: germline.

Clinical Genetics, Erasmus University Medical Center
Classification: Pathogenic for Visceral myopathy 1. Last evaluated: 2016-09-15. Review status: no assertion criteria provided. Collection method: clinical testing. Allele origin: inherited. Inheritance: Autosomal recessive inheritance. Affected: yes. Observed: 1 variant allele, 1 homozygote.
Comment: Loss of protein. Functional experiments described in manuscript.

Literature cited by the submitters: PubMed 28602422 (cited by OMIM and Clinical Genetics, Erasmus University Medical Center).

NM_053025.4(MYLK):c.3838_3844dup (p.Glu1282fs)

Gene: MYLK (myosin light chain kinase; minus strand). Cytogenetic location: 3q21.1.
Variant type: Duplication.
Coding change: c.3838_3844dup on transcript NM_053025.4 (MANE Select); coding-DNA positions 3838 to 3844, 7 bases duplicated (GAAAGCG; older notation c.3838_3844dupGAAAGCG).
Protein change: p.Glu1282fs; shifts the reading frame from glutamic acid 1282.
Molecular consequence: frameshift variant.
Genome position (GRCh38, 1-based): chr3:123,664,246-123,664,252, CGCTTTC duplicated on the plus strand (GAAAGCG on the coding strand, the reverse complement: MYLK is on the minus strand); duplicating any 7 consecutive bases within chr3:123,664,246-123,664,253 gives the same sequence; the c. name uses the placement nearest the transcript's 3' end. VCF-style (leftmost placement, unchanged base first): chr3-123664245-T-TCGCTTTC. GRCh37 (hg19) VCF-style: chr3-123383092-T-TCGCTTTC.
Other names: c.3310_3316dup, p.Glu1106fs (NM_001321309.2); c.3631_3637dup, p.Glu1213fs (NM_053026.4, NM_053028.4); c.3838_3844dup, p.Glu1282fs (NM_053027.4); short protein forms E1213fs, E1282fs, E1106fs.
Identifiers: ClinVar variation 264987 (VCV000264987.8), dbSNP rs1553787823, ClinGen allele CA645509141.
Genomic context (GRCh38, chr3:123,664,245, plus strand): 5'-TGGCGCGCGGCCAGGATGGTGAGCTTGCTGCCATTCTCGCTGTTCTCCACCTTCATGTGC[T>TCGCTTTC]CGCTTTCCTGGATCTAGGGGCGGAGGATGGAGCAGGTGCTGGAGCCTTGGGCCCCTGGGC-3'